The following is an entry in ClinVar:

NM_001200.4(BMP2):c.14C>G (p.Thr5Ser)

Gene: BMP2 (bone morphogenetic protein 2; plus strand). Cytogenetic location: 20p12.3.
Variant type: single nucleotide variant.
Coding change: c.14C>G on transcript NM_001200.4 (MANE Select); coding-DNA position 14, C replaced by G.
Protein change: p.Thr5Ser; replaces threonine 5 with serine.
Molecular consequence: missense variant.
Genome position (GRCh38, 1-based): chr20:6,770,140, C>G. VCF-style: chr20-6770140-C-G. GRCh37 (hg19) VCF-style: chr20-6750787-C-G.
Other names: short protein forms T5S.
Identifiers: ClinVar variation 4714904 (VCV004714904.1).

ClinVar aggregate classification (germline): Uncertain significance (1 of 4 stars; one submission).

gnomAD v4.1: 6 of 1,551,284 alleles (0.00039%); highest among the groups gnomAD compares: South Asian, 0.0059%; no homozygotes.

Submission:

Labcorp Genetics (formerly Invitae), Labcorp
Classification: Uncertain significance. Last evaluated: 2025-03-11. Review status: criteria provided, single submitter. Criteria: Invitae Variant Classification Sherloc (09022015). Collection method: clinical testing. Allele origin: germline.
Comment: This sequence change replaces threonine, which is neutral and polar, with serine, which is neutral and polar, at codon 5 of the BMP2 protein (p.Thr5Ser). This variant is present in population databases (rs527356831, gnomAD 0.004%). This variant has not been reported in the literature in individuals affected with BMP2-related conditions. An algorithm developed to predict the effect of missense changes on protein structure and function (PolyPhen-2) suggests that this variant is likely to be disruptive. In summary, the available evidence is currently insufficient to determine the role of this variant in disease. Therefore, it has been classified as a Variant of Uncertain Significance.